The following is an entry in ClinVar:

ClinVar aggregate classification (germline): Conflicting classifications of pathogenicity. Review status: criteria provided, conflicting classifications (1 of 4 stars). 2 submissions from 2 submitters: Uncertain significance (1); Likely benign (1). Last evaluated 2023-12-21.

Allele frequency attached by ClinVar (database versions not stated): gnomAD 0.00003 and 0.00004; TOPMed 0.00005; gnomAD exomes 0.00005 and below 0.00001; ExAC 0.00011.

Submissions (2):

Labcorp Genetics (formerly Invitae), Labcorp
Classification: Likely benign. Last evaluated: 2023-12-21. Review status: criteria provided, single submitter. Criteria: Invitae Variant Classification Sherloc (09022015). Collection method: clinical testing. Allele origin: germline.

Laboratory for Molecular Medicine, Mass General Brigham Personalized Medicine
Classification: Uncertain significance. Last evaluated: 2012-05-01. Review status: criteria provided, single submitter. Criteria: LMM Criteria. Collection method: clinical testing. Allele origin: germline. Observed: 1 variant allele.
Comment: Variant classified as Uncertain Significance - Favor Benign. The 145-10G>A varia nt (CTF1) has not been reported in the literature nor previously identified by o ur laboratory. This variant is located in the 3' splice region. Computational to ols do not predict altered splicing; however, this information is not predictive enough to rule out pathogenicity. Additional studies are needed to fully assess the clinical significance of the 145-10G>A variant.

NM_001330.5(CTF1):c.145-10G>A

Genes: CTF1 (cardiotrophin 1; plus strand), LOC130058878 (ATAC-STARR-seq lymphoblastoid silent region 7400; plus strand). Cytogenetic location: 16p11.2.
Variant type: single nucleotide variant.
Coding change: c.145-10G>A on transcript NM_001330.5 (MANE Select); 10 bases into the intron before coding-DNA position 145, G replaced by A.
Molecular consequence: intron variant.
Genome position (GRCh38, 1-based): chr16:30,902,068, G>A. VCF-style: chr16-30902068-G-A. GRCh37 (hg19) VCF-style: chr16-30913389-G-A.
Other names: c.142-10G>A (NM_001142544.3).
Identifiers: ClinVar variation 44174 (VCV000044174.12), dbSNP rs397516645, ClinGen allele CA133717.